The following is an entry in ClinVar:

ClinVar aggregate classification (germline): Uncertain significance (1 of 4 stars; one submission).

Conditions:
Immunodeficiency, common variable, 10. Also called: IMMUNODEFICIENCY, COMMON VARIABLE, WITH CENTRAL ADRENAL INSUFFICIENCY; DEFICIT IN ANTERIOR PITUITARY FUNCTION AND VARIABLE IMMUNODEFICIENCY. Identifiers: MedGen C3809991, MONDO:0014260, OMIM 615577.

Allele frequency attached by ClinVar (database versions not stated): gnomAD exomes below 0.00001 and 0.00002; TOPMed 0.00003.
gnomAD v4.1: 10 of 1,613,948 alleles (0.00062%); highest among the groups gnomAD compares: East Asian, 0.0089%; no homozygotes.

Submission:

Labcorp Genetics (formerly Invitae), Labcorp
Classification: Uncertain significance for Immunodeficiency, common variable, 10. Last evaluated: 2025-12-02. Review status: criteria provided, single submitter. Criteria: Invitae Variant Classification Sherloc (09022015). Collection method: clinical testing. Allele origin: germline.
Comment: This sequence change affects codon 667 of the NFKB2 mRNA. It is a 'silent' change, meaning that it does not change the encoded amino acid sequence of the NFKB2 protein. This variant is present in population databases (no rsID available, gnomAD 0.007%). This variant has not been reported in the literature in individuals affected with NFKB2-related conditions. ClinVar contains an entry for this variant (Variation ID: 572679). Algorithms developed to predict the effect of sequence changes on RNA splicing suggest that this variant may create or strengthen a splice site. In summary, the available evidence is currently insufficient to determine the role of this variant in disease. Therefore, it has been classified as a Variant of Uncertain Significance.

NM_001322934.2(NFKB2):c.2001G>A (p.Ala667=)

Gene: NFKB2 (nuclear factor kappa B subunit 2; plus strand). Cytogenetic location: 10q24.32.
Variant type: single nucleotide variant.
Coding change: c.2001G>A on transcript NM_001322934.2 (MANE Select); coding-DNA position 2001, G replaced by A.
Protein change: p.Ala667=; no amino-acid change (alanine 667 retained).
Molecular consequence: synonymous variant.
Genome position (GRCh38, 1-based): chr10:102,400,979, G>A. VCF-style: chr10-102400979-G-A. GRCh37 (hg19) VCF-style: chr10-104160736-G-A.
Other names: c.2001G>A, p.Ala667= (LRG_1347t1, NM_001077494.3, NM_001261403.3 and 2 more transcripts); c.1875G>A, p.Ala625= (NM_001322935.1).
Identifiers: ClinVar variation 572679 (VCV000572679.8), dbSNP rs944124507, ClinGen allele CA212218047.
Genomic context (GRCh38, chr10:102,400,979, plus strand): 5'-TGTCAACTCTCGCTGCTCGCACCCCCAGCTCCGGGCCAACGTGAACGCTCGCACCTTTGC[G>A]GGAAACACACCCCTGCACCTGGCAGCTGGACTGGGGTACCCGACCCTCACCCGCCTCCTT-3'
Protein context (NP_001309863.1, residues 657-677): LRANVNARTF[Ala667=]GNTPLHLAAG